The following is an entry in ClinVar:

NM_017617.5(NOTCH1):c.5224G>T (p.Ala1742Ser)

Gene: NOTCH1 (notch receptor 1; minus strand). Cytogenetic location: 9q34.3.
Variant type: single nucleotide variant.
Coding change: c.5224G>T on transcript NM_017617.5 (MANE Select); coding-DNA position 5224, G replaced by T.
Protein change: p.Ala1742Ser; replaces alanine 1742 with serine.
Molecular consequence: missense variant.
Genome position (GRCh38, 1-based): chr9:136,502,432, C>A on the plus strand (G>T on the coding strand, the complement: NOTCH1 is on the minus strand). VCF-style: chr9-136502432-C-A. GRCh37 (hg19) VCF-style: chr9-139396884-C-A.
Other names: c.5224G>T, p.Ala1742Ser (LRG_1122t1); short protein forms A1742S.
Identifiers: ClinVar variation 393211 (VCV000393211.18), dbSNP rs760669267, ClinGen allele CA5340353.

ClinVar aggregate classification (germline): Conflicting classifications of pathogenicity. Review status: criteria provided, conflicting classifications (1 of 4 stars). 4 submissions from 4 submitters: Uncertain significance (3); Likely benign (1). Last evaluated 2026-01-20.

Conditions:
Adams-Oliver syndrome 5 (AOS5). Identifiers: Orphanet 974, MedGen C4014970, MONDO:0014459, OMIM 616028.
Familial thoracic aortic aneurysm and aortic dissection (TAAD). Also called: Thoracic aortic aneurysms and dissections. Identifiers: Orphanet 91387, MedGen C4707243, MONDO:0019625.

Allele frequency attached by ClinVar (database versions not stated): TOPMed 0.00005; gnomAD 0.00007 and 0.00008; gnomAD exomes 0.00009 and 0.00008; ExAC 0.00010.
gnomAD v4.1: 136 of 1,608,258 alleles (0.0085%); highest among the groups gnomAD compares: Non-Finnish European, 0.011%; no homozygotes.

Submissions (4):

Labcorp Genetics (formerly Invitae), Labcorp
Classification: Likely benign for Adams-Oliver syndrome 5. Last evaluated: 2026-01-20. Review status: criteria provided, single submitter. Criteria: Invitae Variant Classification Sherloc (09022015). Collection method: clinical testing. Allele origin: germline.

Ambry Genetics
Classification: Uncertain significance for Familial thoracic aortic aneurysm and aortic dissection. Last evaluated: 2024-12-29. Review status: criteria provided, single submitter. Criteria: Ambry Variant Classification Scheme 2023. Collection method: clinical testing. Allele origin: germline.
Comment: The p.A1742S variant (also known as c.5224G>T), located in coding exon 28 of the NOTCH1 gene, results from a G to T substitution at nucleotide position 5224. The alanine at codon 1742 is replaced by serine, an amino acid with similar properties. This variant was reported in an individual in a hereditary aortopathy cohort, but the clinical details were limited (Renner S et al. Genet Med, 2019 Aug;21:1832-1841). This amino acid position is not well conserved in available vertebrate species. In addition, this alteration is predicted to be tolerated by in silico analysis. Based on the available evidence, the clinical significance of this variant remains unclear.

Blueprint Genetics
Classification: Uncertain significance. Last evaluated: 2024-06-17. Review status: criteria provided, single submitter. Criteria: ACMG Guidelines, 2015. Collection method: clinical testing. Allele origin: germline.

GeneDx
Classification: Uncertain significance. Last evaluated: 2024-03-27. Review status: criteria provided, single submitter. Criteria: GeneDx Variant Classification Process June 2021. Collection method: clinical testing. Allele origin: germline. Affected: yes.
Comment: In silico analysis supports that this missense variant does not alter protein structure/function; Identified in a patient with a connective tissue disorder who harbored a second variant in the DCHS1 gene (PMID: 30675029); This variant is associated with the following publications: (PMID: 30675029, 37839360, 38100419)

Literature cited by the submitters: PubMed 30675029 (cited by Ambry Genetics).